The following is an entry in ClinVar:

NM_199420.4(POLQ):c.4435C>T (p.Pro1479Ser)

Gene: POLQ (DNA polymerase theta; minus strand). Cytogenetic location: 3q13.33.
Variant type: single nucleotide variant.
Coding change: c.4435C>T on transcript NM_199420.4 (MANE Select); coding-DNA position 4435, C replaced by T.
Protein change: p.Pro1479Ser; replaces proline 1479 with serine.
Molecular consequence: missense variant.
Genome position (GRCh38, 1-based): chr3:121,488,496, G>A on the plus strand (C>T on the coding strand, the complement: POLQ is on the minus strand). VCF-style: chr3-121488496-G-A. GRCh37 (hg19) VCF-style: chr3-121207343-G-A.
Other names: short protein forms P1479S.
Identifiers: ClinVar variation 1740584 (VCV001740584.3), dbSNP rs149344067, ClinGen allele CA81835706.
Genomic context (GRCh38, chr3:121,488,496, plus strand): 5'-GATAGTCATCACTGAAGCTATCAAATAGTAAACTATCACTCATATTCAAACTTGTTTCAG[G>A]AACTGGAAGACATTCTCCTTCTACACCAGTGGGAGTTCTCTTTTGAGGAATCAGAAGTAT-3'
Protein context (NP_955452.3, residues 1469-1489): TGVEGECLPV[Pro1479Ser]ETSLNMSDSL

ClinVar aggregate classification (germline): Uncertain significance (1 of 4 stars; one submission).

Allele frequency attached by ClinVar (database versions not stated): gnomAD exomes below 0.00001; gnomAD 0.00001; TOPMed 0.00001; ESP Exome Variant Server 0.00008.
gnomAD v4.1: 2 of 1,608,120 alleles (0.00012%); highest among the groups gnomAD compares: Middle Eastern, 0.017%; no homozygotes.

Submission:

Ambry Genetics
Classification: Uncertain significance. Last evaluated: 2024-10-12. Review status: criteria provided, single submitter. Criteria: Ambry Variant Classification Scheme 2023. Collection method: clinical testing. Allele origin: germline.
Comment: The p.P1479S variant (also known as c.4435C>T), located in coding exon 16 of the POLQ gene, results from a C to T substitution at nucleotide position 4435. The proline at codon 1479 is replaced by serine, an amino acid with similar properties. This amino acid position is conserved. In addition, this alteration is predicted to be tolerated by in silico analysis. Since supporting evidence is limited at this time, the clinical significance of this alteration remains unclear.